The following is an entry in ClinVar:

ClinVar aggregate classification (germline): Likely pathogenic. Review status: criteria provided, multiple submitters, no conflicts (2 of 4 stars). 2 submissions from 2 submitters: Likely pathogenic (2). Last evaluated 2025-03-10.

Conditions:
PKD1-related disorder. Also called: PKD1-related condition.
Polycystic kidney disease, adult type (PKD1). Also called: Polycystic Kidney Disease 1, Autosomal Dominant; Polycystic kidney disease 1; Polycystic kidney disease 1, severe; Polycystic Kidney, Autosomal Dominant; POLYCYSTIC KIDNEY DISEASE, ADULT, TYPE I; POLYCYSTIC KIDNEY DISEASE 1 WITH OR WITHOUT POLYCYSTIC LIVER DISEASE. Identifiers: MedGen C3149841, MONDO:0008263, OMIM 173900.

Submissions (2):

PreventionGenetics, part of Exact Sciences
Classification: Likely pathogenic for PKD1-related condition. Last evaluated: 2025-03-10. Review status: criteria provided, single submitter. Criteria: ACMG Guidelines, 2015. Collection method: clinical testing. Allele origin: germline.
Comment: The PKD1 c.3161+5G>C variant is predicted to interfere with splicing. This variant is predicted to impact splicing based on splicing prediction programs (SpliceAI, Jaganathan et al. 2019. PubMed ID: 30661751). To our knowledge, this variant has not been reported in the literature or in a large population database (gnomAD), indicating this variant is rare. Of note, other variants impacting this nucleotide position (c.3161+5G>A and c.3161+5G>T) have been reported in at least five patients with polycystic kidney disease (Suzuki et al. 2023. PubMed ID: 36833371; Supplemental Table 3 in Cornec-Le Gall et al. 2016. PubMed ID: 26150605; Topak et al. 2023. PubMed ID: 37078890). Based on this evidence, we interpret the c.3161+5G>C variant as likely pathogenic.

Genesis Genoma Lab
Classification: Likely pathogenic for Polycystic kidney disease, adult type. Last evaluated: 2024-02-13. Review status: criteria provided, single submitter. Criteria: ACMG Guidelines, 2015. Collection method: clinical testing. Allele origin: de novo. Inheritance: Autosomal dominant inheritance. Affected: yes. Observed: 1 heterozygote.
Comment: The variant is predicted pathogenic by spliceAI and dbscSNV algorithms. ACMG criteria PS2, PP2, PP3 Moderate

NM_001009944.3(PKD1):c.3161+5G>C

Gene: PKD1 (polycystin 1, transient receptor potential channel interacting; minus strand). Cytogenetic location: 16p13.3.
Variant type: single nucleotide variant.
Coding change: c.3161+5G>C on transcript NM_001009944.3 (MANE Select); 5 bases into the intron after coding-DNA position 3161, G replaced by C.
Molecular consequence: intron variant.
Genome position (GRCh38, 1-based): chr16:2,112,783, C>G on the plus strand (G>C on the coding strand, the complement: PKD1 is on the minus strand). VCF-style: chr16-2112783-C-G. GRCh37 (hg19) VCF-style: chr16-2162784-C-G.
Other names: c.3161+5G>C (NM_001009944.2, NM_000296.4).
Identifiers: ClinVar variation 2920658 (VCV002920658.3), dbSNP rs2092552533, ClinGen allele CA2739269943.